The following is an entry in ClinVar:

NM_001165963.4(SCN1A):c.46TTC[1] (p.Phe17del)

Gene: SCN1A (sodium voltage-gated channel alpha subunit 1; minus strand). Cytogenetic location: 2q24.3.
Variant type: Microsatellite.
Coding change: c.46TTC[1] on transcript NM_001165963.4 (MANE Select); one copy of the 3-base unit TTC starting at c.46; the reference has two copies in a row; one copy, 3 bases deleted.
Protein change: p.Phe17del; deletes phenylalanine 17.
Molecular consequence: inframe deletion. On other transcripts: 5 prime UTR variant (1), non-coding transcript variant (1).
Genome position (GRCh38, 1-based): chr2:166,073,571-166,073,573, GAA deleted on the plus strand (TTC on the coding strand, the reverse complement: SCN1A is on the minus strand); deleting any 3 consecutive bases within chr2:166,073,571-166,073,577 gives the same sequence; the position shown is the placement nearest the transcript's 3' end. VCF-style (leftmost placement, unchanged base first): chr2-166073570-TGAA-T. GRCh37 (hg19) VCF-style: chr2-166930080-TGAA-T.
Other names: c.46TTC[1], p.Phe17del (NM_001165964.3, NM_001202435.3, NM_001353948.2 and 10 more transcripts); c.-2380TTC[1] (NM_001353961.2); short protein forms F17del.
Identifiers: ClinVar variation 1403854 (VCV001403854.9), dbSNP rs2105984083, ClinGen allele CA2580614394.

ClinVar aggregate classification (germline): Uncertain significance (1 of 4 stars; one submission).

Conditions:
Early-infantile DEE. Also called: Early infantile epileptic encephalopathy; Ohtahara syndrome; Early infantile epileptic encephalopathy with suppression bursts. Identifiers: Orphanet 1934, MedGen C0393706, MONDO:0800491.

Submission:

Labcorp Genetics (formerly Invitae), Labcorp
Classification: Uncertain significance for Early-infantile DEE. Last evaluated: 2024-02-23. Review status: criteria provided, single submitter. Criteria: Invitae Variant Classification Sherloc (09022015). Collection method: clinical testing. Allele origin: germline.
Comment: This variant, c.49_51del, results in the deletion of 1 amino acid(s) of the SCN1A protein (p.Phe17del), but otherwise preserves the integrity of the reading frame. This variant is not present in population databases (gnomAD no frequency). This variant has been observed in individual(s) with Dravet syndrome (PMID: 21248271). Experimental studies and prediction algorithms are not available or were not evaluated, and the functional significance of this variant is currently unknown. In summary, the available evidence is currently insufficient to determine the role of this variant in disease. Therefore, it has been classified as a Variant of Uncertain Significance.

Literature cited by the submitters: PubMed 21248271.